The following is an entry in ClinVar:

NM_000181.4(GUSB):c.893C>T (p.Ala298Val)

Gene: GUSB (glucuronidase beta; minus strand). Cytogenetic location: 7q11.21.
Variant type: single nucleotide variant.
Coding change: c.893C>T on transcript NM_000181.4 (MANE Select); coding-DNA position 893, C replaced by T.
Protein change: p.Ala298Val; replaces alanine 298 with valine.
Molecular consequence: missense variant. On other transcripts: non-coding transcript variant (1), intron variant (1).
Genome position (GRCh38, 1-based): chr7:65,976,034, G>A on the plus strand (C>T on the coding strand, the complement: GUSB is on the minus strand). VCF-style: chr7-65976034-G-A. GRCh37 (hg19) VCF-style: chr7-65441021-G-A.
Other names: c.323C>T, p.Ala108Val (NM_001293104.2); c.236C>T, p.Ala79Val (NM_001293105.2); c.475-963C>T (NM_001284290.2); short protein forms A298V, A79V, A108V.
Identifiers: ClinVar variation 619123 (VCV000619123.2), dbSNP rs1451709678, ClinGen allele CA367645796.

ClinVar aggregate classification (germline): Likely pathogenic (1 of 4 stars; one submission).

Conditions:
Mucopolysaccharidosis type 7 (MPS7). Also called: SLY SYNDROME; BETA-GLUCURONIDASE DEFICIENCY; GUSB DEFICIENCY; MPS VII. Identifiers: Orphanet 584, MedGen C0085132, MONDO:0009662, OMIM 253220.

Allele frequency attached by ClinVar (database versions not stated): TOPMed below 0.00001; gnomAD 0.00001.
gnomAD v4.1: 1 of 1,613,574 alleles (0.000062%); highest among the groups gnomAD compares: Non-Finnish European, 0.000085%; no homozygotes.

Submission:

Diagnostics Division, CENTRE FOR DNA FINGERPRINTING AND DIAGNOSTICS
Classification: Likely pathogenic for Mucopolysaccharidosis type 7. Review status: criteria provided, single submitter. Criteria: ACMG Guidelines, 2015. Collection method: research. Allele origin: germline. Inheritance: Autosomal recessive inheritance. Affected: yes. Observed: 1 homozygote.
Comment: Missense variant